The following is an entry in ClinVar:

ClinVar aggregate classification (germline): Likely benign. Review status: criteria provided, multiple submitters, no conflicts (2 of 4 stars). 6 submissions from 6 submitters: Likely benign (4). 2 of the submissions do not count toward it. Last evaluated 2025-11-25.

Conditions:
WWOX-related disorder. Also called: WWOX-related condition.
Autosomal recessive spinocerebellar ataxia 12. Also called: SPINOCEREBELLAR ATAXIA WITH MENTAL RETARDATION AND EPILEPSY. Identifiers: Orphanet 284282, MedGen C3280452, MONDO:0013687, OMIM 614322.
Developmental and epileptic encephalopathy, 1 (DEE1). Also called: Epileptic encephalopathy, early infantile, 1; X-linked infantile spasms; West's syndrome; Tonic spasms with clustering, arrest of psychomotor development and hypsarrhythmia on EEG; X-Linked Infantile Spasm Syndrome; OHTAHARA SYNDROME, X-LINKED. Identifiers: MedGen C3463992, MONDO:0010632, OMIM 308350. Disease mechanism: loss of function.
Intellectual disability. Also called: Intellectual functioning disability; intellectual disabilities; Intellectual developmental disorder. Identifiers: MedGen C3714756, MeSH D008607, MONDO:0001071, HP:0001249.

Allele frequency attached by ClinVar (database versions not stated): TOPMed 0.00042; ExAC 0.00064; 1000 Genomes Project 30x 0.00016; ESP Exome Variant Server 0.00016; 1000 Genomes Project 0.00020; gnomAD 0.00027 and 0.00029.
gnomAD v4.1: 606 of 1,614,208 alleles (0.038%); highest among the groups gnomAD compares: South Asian, 0.13%; 2 homozygotes.

Submissions (6):

Labcorp Genetics (formerly Invitae), Labcorp
Classification: Likely benign for Developmental and epileptic encephalopathy, 1; Autosomal recessive spinocerebellar ataxia 12. Last evaluated: 2025-11-25. Review status: criteria provided, single submitter. Criteria: Invitae Variant Classification Sherloc (09022015). Collection method: clinical testing. Allele origin: germline.

CeGaT Center for Human Genetics Tuebingen
Classification: Likely benign. Last evaluated: 2025-08-01. Review status: criteria provided, single submitter. Criteria: CeGaT Center For Human Genetics Tuebingen Variant Classification Criteria Version 2. Collection method: clinical testing. Allele origin: germline. Affected: yes. Observed: 2 variant alleles.
Comment: WWOX: BS2

Blueprint Genetics
Classification: Likely benign. Last evaluated: 2024-09-16. Review status: criteria provided, single submitter. Criteria: ACMG Guidelines, 2015. Collection method: clinical testing. Allele origin: germline.

GeneDx
Classification: Likely benign. Last evaluated: 2019-12-13. Review status: criteria provided, single submitter. Criteria: GeneDx Variant Classification Process June 2021. Collection method: clinical testing. Allele origin: germline. Affected: yes.

PreventionGenetics, part of Exact Sciences
Classification: Likely benign for WWOX-related condition. Last evaluated: 2021-07-06. Review status: no assertion criteria provided. Collection method: clinical testing. Allele origin: germline. Not counted in ClinVar's aggregate classification.
Comment: This variant is classified as likely benign based on ACMG/AMP sequence variant interpretation guidelines (Richards et al. 2015 PMID: 25741868, with internal and published modifications).

Centre de Biologie Pathologie Génétique, Centre Hospitalier Universitaire de Lille
Classification: Likely benign for Intellectual disability. Last evaluated: 2019-01-01. Review status: no assertion criteria provided. Collection method: clinical testing. Allele origin: inherited. Affected: yes. Not counted in ClinVar's aggregate classification.

NM_016373.4(WWOX):c.1142G>A (p.Arg381His)

Genes: MAF (MAF bZIP transcription factor; minus strand), WWOX (WW domain containing oxidoreductase; plus strand). Cytogenetic location: 16q23.2.
Variant type: single nucleotide variant.
Coding change: c.1142G>A on transcript NM_016373.4 (MANE Select); coding-DNA position 1142, G replaced by A.
Protein change: p.Arg381His; replaces arginine 381 with histidine.
Molecular consequence: missense variant.
Genome position (GRCh38, 1-based): chr16:79,211,693, G>A. VCF-style: chr16-79211693-G-A. GRCh37 (hg19) VCF-style: chr16-79245590-G-A.
Other names: c.803G>A, p.Arg268His (NM_001291997.2); short protein forms R381H, R268H.
Identifiers: ClinVar variation 410089 (VCV000410089.29), dbSNP rs202002431, ClinGen allele CA8183759.